The following is an entry in ClinVar:

NM_032621.4(BEX2):c.-7A>G

Gene: BEX2 (brain expressed X-linked 2; minus strand). Cytogenetic location: Xq22.2.
Variant type: single nucleotide variant.
Coding change: c.-7A>G on transcript NM_032621.4 (MANE Select); 7 bases upstream of the start codon, A replaced by G.
Molecular consequence: 5 prime UTR variant. On other transcripts: synonymous variant (2).
Genome position (GRCh38, 1-based): chrX:103,310,359, T>C on the plus strand (A>G on the coding strand, the complement: BEX2 is on the minus strand). VCF-style: chrX-103310359-T-C. GRCh37 (hg19) VCF-style: chrX-102565287-T-C.
Other names: NC_000023.10:g.102565287T>C; c.90A>G, p.Pro30= (NM_001168399.2); c.87A>G, p.Pro29= (NM_001168400.2); c.-7A>G (NM_001168401.2).
Identifiers: ClinVar variation 2661094 (VCV002661094.25), dbSNP rs752138391, ClinGen allele CA10477831.

ClinVar aggregate classification (germline): Likely benign (1 of 4 stars; one submission).

Allele frequency attached by ClinVar (database versions not stated): gnomAD 0.00002; TOPMed 0.00002; gnomAD exomes 0.00011.
gnomAD v4.1: 117 of 1,154,427 alleles (0.01%); highest among the groups gnomAD compares: Non-Finnish European, 0.012%; no homozygotes.

Submissions (2):

CeGaT Center for Human Genetics Tuebingen
Classification: Likely benign. Last evaluated: 2022-06-01. Review status: criteria provided, single submitter. Criteria: CeGaT Center For Human Genetics Tuebingen Variant Classification Criteria Version 2. Collection method: clinical testing. Allele origin: germline. Affected: yes. Observed: 1 variant allele.
Comment: BEX2: BP4, BP7

Dr. Peter K. Rogan Lab, Western University
No classification provided (evidence only). Condition: Ovarian cancer. Review status: no classification provided. Collection method: in vitro. Allele origin: not applicable. Functional consequence: skipped exon, retained intron. Not counted in ClinVar's aggregate classification.